The following is an entry in ClinVar:

ClinVar aggregate classification (germline): Uncertain significance (1 of 4 stars; one submission).

Conditions:
Cardiomyopathy (CMYO). Also called: Cardiomyopathies. Identifiers: Orphanet 167848, MedGen C0878544, MONDO:0004994, HP:0001638. Inheritance: Various modes of inheritance.

Submission:

Color Diagnostics, LLC DBA Color Health
Classification: Uncertain significance for Cardiomyopathy. Last evaluated: 2025-07-02. Review status: criteria provided, single submitter. Criteria: ACMG Guidelines, 2015. Collection method: clinical testing. Allele origin: germline.
Comment: This variant causes a T to G nucleotide substitution at the -3 position of intron 9 of the DSC2 gene. To our knowledge, functional studies have not been reported for this variant. This variant has not been reported in individuals affected with DSC2-related disorders in the literature. This variant has not been identified in the general population by the Genome Aggregation Database (gnomAD). The available evidence is insufficient to determine the role of this variant in disease conclusively. Therefore, this variant is classified as a Variant of Uncertain Significance.

NM_024422.6(DSC2):c.1264-3T>G

Gene: DSC2 (desmocollin 2; minus strand). Cytogenetic location: 18q12.1.
Variant type: single nucleotide variant.
Coding change: c.1264-3T>G on transcript NM_024422.6 (MANE Select); 3 bases into the intron before coding-DNA position 1264, T replaced by G.
Molecular consequence: intron variant.
Genome position (GRCh38, 1-based): chr18:31,080,355, A>C on the plus strand (T>G on the coding strand, the complement: DSC2 is on the minus strand). VCF-style: chr18-31080355-A-C. GRCh37 (hg19) VCF-style: chr18-28660321-A-C.
Other names: c.1264-3T>G (NM_004949.5); c.835-3T>G (NM_001406506.1, NM_001406507.1).
Identifiers: ClinVar variation 4756994 (VCV004756994.1).